The following is an entry in ClinVar:

ClinVar aggregate classification (germline): Uncertain significance (1 of 4 stars; one submission).

Conditions:
Acrocallosal syndrome (ACLS). Also called: HALLUX DUPLICATION, POSTAXIAL POLYDACTYLY, AND ABSENCE OF CORPUS CALLOSUM; Schinzel syndrome 1; Absence of corpus callosum with unusual facial appearance, mental deficiency, duplication of the halluces and polydactyly. Identifiers: Orphanet 36, MedGen C0796147, MONDO:0008708, OMIM 200990.

Submission:

Labcorp Genetics (formerly Invitae), Labcorp
Classification: Uncertain significance for Acrocallosal syndrome. Last evaluated: 2022-03-14. Review status: criteria provided, single submitter. Criteria: Invitae Variant Classification Sherloc (09022015). Collection method: clinical testing. Allele origin: germline.
Comment: In summary, the available evidence is currently insufficient to determine the role of this variant in disease. Therefore, it has been classified as a Variant of Uncertain Significance. Algorithms developed to predict the effect of missense changes on protein structure and function are either unavailable or do not agree on the potential impact of this missense change (SIFT: "Deleterious"; PolyPhen-2: "Possibly Damaging"; Align-GVGD: "Class C0"). This variant has not been reported in the literature in individuals affected with KIF7-related conditions. This variant is not present in population databases (gnomAD no frequency). This sequence change replaces alanine, which is neutral and non-polar, with threonine, which is neutral and polar, at codon 88 of the KIF7 protein (p.Ala88Thr).

NM_198525.3(KIF7):c.262G>A (p.Ala88Thr)

Gene: KIF7 (kinesin family member 7; minus strand). Cytogenetic location: 15q26.1.
Variant type: single nucleotide variant.
Coding change: c.262G>A on transcript NM_198525.3 (MANE Select); coding-DNA position 262, G replaced by A.
Protein change: p.Ala88Thr; replaces alanine 88 with threonine.
Molecular consequence: missense variant.
Genome position (GRCh38, 1-based): chr15:89,652,669, C>T on the plus strand (G>A on the coding strand, the complement: KIF7 is on the minus strand). VCF-style: chr15-89652669-C-T. GRCh37 (hg19) VCF-style: chr15-90195900-C-T.
Other names: short protein forms A88T.
Identifiers: ClinVar variation 2111991 (VCV002111991.4), dbSNP rs2505509689, ClinGen allele CA393779797.